The following is an entry in ClinVar:

NM_001904.4(CTNNB1):c.125C>T (p.Thr42Ile)

Genes: CTNNB1 (catenin beta 1; plus strand), LOC126806658 (BRD4-independent group 4 enhancer GRCh37_chr3:41265899-41267098; plus strand). Cytogenetic location: 3p22.1.
Variant type: single nucleotide variant.
Coding change: c.125C>T on transcript NM_001904.4 (MANE Select); coding-DNA position 125, C replaced by T.
Protein change: p.Thr42Ile; replaces threonine 42 with isoleucine.
Molecular consequence: missense variant.
Genome position (GRCh38, 1-based): chr3:41,224,637, C>T. VCF-style: chr3-41224637-C-T. GRCh37 (hg19) VCF-style: chr3-41266128-C-T.
Other names: c.125C>T, p.Thr42Ile (NM_001098209.2, NM_001098210.2); c.104C>T, p.Thr35Ile (NM_001330729.2); short protein forms T42I, T35I.
Identifiers: ClinVar variation 434867 (VCV000434867.13), dbSNP rs769203968, ClinGen allele CA2330861.

ClinVar aggregate classification (germline): Conflicting classifications of pathogenicity. Review status: criteria provided, conflicting classifications (1 of 4 stars). 4 submissions from 4 submitters: Uncertain significance (3); Likely benign (1). Last evaluated 2024-02-27.

Conditions:
Inborn genetic diseases. Identifiers: MedGen C0950123, MeSH D030342.

Allele frequency attached by ClinVar (database versions not stated): TOPMed below 0.00001; ExAC 0.00001; gnomAD exomes 0.00001.

Submissions (4):

Blueprint Genetics
Classification: Uncertain significance. Last evaluated: 2024-02-27. Review status: criteria provided, single submitter. Criteria: ACMG Guidelines, 2015. Collection method: clinical testing. Allele origin: germline.

Ambry Genetics
Classification: Likely benign for Inborn genetic diseases. Last evaluated: 2022-09-19. Review status: criteria provided, single submitter. Criteria: Ambry Variant Classification Scheme 2023. Collection method: clinical testing. Allele origin: germline.

Labcorp Genetics (formerly Invitae), Labcorp
Classification: Uncertain significance. Last evaluated: 2022-01-11. Review status: criteria provided, single submitter. Criteria: Invitae Variant Classification Sherloc (09022015). Collection method: clinical testing. Allele origin: germline.
Comment: In summary, the available evidence is currently insufficient to determine the role of this variant in disease. Therefore, it has been classified as a Variant of Uncertain Significance. Algorithms developed to predict the effect of missense changes on protein structure and function (SIFT, PolyPhen-2, Align-GVGD) all suggest that this variant is likely to be tolerated. ClinVar contains an entry for this variant (Variation ID: 434867). This variant has not been reported in the literature in individuals affected with CTNNB1-related conditions. This variant is present in population databases (rs769203968, gnomAD 0.007%). This sequence change replaces threonine, which is neutral and polar, with isoleucine, which is neutral and non-polar, at codon 42 of the CTNNB1 protein (p.Thr42Ile).

Genetic Services Laboratory, University of Chicago
Classification: Uncertain significance. Last evaluated: 2016-06-24. Review status: criteria provided, single submitter. Criteria: ACMG Guidelines, 2015. Collection method: clinical testing. Allele origin: germline. Affected: no.